The following is an entry in ClinVar:

ClinVar aggregate classification (germline): Likely benign. Review status: criteria provided, multiple submitters, no conflicts (2 of 4 stars). 4 submissions from 4 submitters: Likely benign (4). Last evaluated 2026-08-06.

Conditions:
PLEC-related disorder. Also called: PLEC-related disorders; PLEC-related condition.
Epidermolysis bullosa simplex, Ogna type (EBS5A). Also called: Pidermolysis bullosa simplex 5A, Ogna type; EPIDERMOLYSIS BULLOSA SIMPLEX 5A, OGNA TYPE. Identifiers: Orphanet 79401, MedGen C0432317, MONDO:0007555, OMIM 131950.
Epidermolysis bullosa simplex 5B, with muscular dystrophy (EBS5B). Also called: Epidermolysis bullosa simplex with muscular dystrophy; EPIDERMOLYSIS BULLOSA SIMPLEX AND LIMB-GIRDLE MUSCULAR DYSTROPHY. Identifiers: Orphanet 257, MedGen C2931072, MONDO:0009181, OMIM 226670.
Epidermolysis bullosa simplex with nail dystrophy (EBS5D). Identifiers: MedGen C4225309, MONDO:0014661, OMIM 616487.
Autosomal recessive limb-girdle muscular dystrophy type 2Q (LGMDR17). Also called: MUSCULAR DYSTROPHY, LIMB-GIRDLE, AUTOSOMAL RECESSIVE 17. Identifiers: Orphanet 254361, MedGen C3150989, MONDO:0013390, OMIM 613723.
Epidermolysis bullosa simplex 5C, with pyloric atresia (EBS5C). Also called: PLEC-Related Epidermolysis Bullosa with Pyloric Atresia; Epidermolysis bullosa simplex with pyloric atresia; PLEC1-Related Epidermolysis Bullosa with Pyloric Atresia. Identifiers: Orphanet 158684, MedGen C2677349, MONDO:0012807, OMIM 612138.

Allele frequency attached by ClinVar (database versions not stated): gnomAD 0.00001 and 0.00002; gnomAD exomes 0.00002; TOPMed 0.00002; 1000 Genomes Project 0.00020; 1000 Genomes Project 30x 0.00031.
gnomAD v4.1: 26 of 1,586,740 alleles (0.0016%); highest among the groups gnomAD compares: Middle Eastern, 0.017%; no homozygotes.

Submissions (4):

PreventionGenetics, part of Exact Sciences
Classification: Likely benign for PLEC-related condition. Last evaluated: 2026-08-06. Review status: criteria provided, single submitter. Criteria: ACMG Guidelines, 2015. Collection method: clinical testing. Allele origin: germline.
Comment: This variant is classified as likely benign based on ACMG/AMP sequence variant interpretation guidelines (Richards et al. 2015 PMID: 25741868, with internal and published modifications).

Labcorp Genetics (formerly Invitae), Labcorp
Classification: Likely benign for Autosomal recessive limb-girdle muscular dystrophy type 2Q; Epidermolysis bullosa simplex, Ogna type; Epidermolysis bullosa simplex with nail dystrophy; Epidermolysis bullosa simplex 5C, with pyloric atresia; Epidermolysis bullosa simplex 5B, with muscular dystrophy. Last evaluated: 2023-02-21. Review status: criteria provided, single submitter. Criteria: Invitae Variant Classification Sherloc (09022015). Collection method: clinical testing. Allele origin: germline.

Athena Diagnostics
Classification: Likely benign. Last evaluated: 2020-06-03. Review status: criteria provided, single submitter. Criteria: Athena Diagnostics Criteria. Collection method: clinical testing. Allele origin: unknown.

Breakthrough Genomics
Classification: Likely benign. Review status: criteria provided, single submitter. Criteria: ACMG Guidelines, 2015. Collection method: not provided. Allele origin: germline. Inheritance: Autosomal recessive inheritance. Affected: yes.

NM_201384.3(PLEC):c.2612+10G>A

Gene: PLEC (plectin; minus strand). Cytogenetic location: 8q24.3.
Variant type: single nucleotide variant.
Coding change: c.2612+10G>A on transcript NM_201384.3 (MANE Select); 10 bases into the intron after coding-DNA position 2612, G replaced by A.
Molecular consequence: intron variant.
Genome position (GRCh38, 1-based): chr8:143,930,134, C>T on the plus strand (G>A on the coding strand, the complement: PLEC is on the minus strand). VCF-style: chr8-143930134-C-T. GRCh37 (hg19) VCF-style: chr8-145004302-C-T.
Other names: c.2693+10G>A (NM_000445.5); c.2570+10G>A (NM_201378.4); c.2546+10G>A (NM_201379.3); c.3023+10G>A (NM_201380.4); c.2516+10G>A (NM_201381.3); c.2612+10G>A (NM_201382.4); c.2624+10G>A (NM_201383.3).
Identifiers: ClinVar variation 539060 (VCV000539060.13), dbSNP rs539801615, ClinGen allele CA187619307.
Genomic context (GRCh38, chr8:143,930,134, plus strand): 5'-GGGCTACAGTCAGCGTCACCAGCGCCCCACCCGCCTTCCAGCCCCCACCTGCTGAGCCCC[C>T]GCCACCCACCTGGTGACGGCCTCCTGGGCCTCCTGGTTGGGCGGGGGCACCAGGAAGCAC-3'